The following is an entry in ClinVar:

ClinVar aggregate classification (germline): Uncertain significance (1 of 4 stars; one submission).

Submission:

Dasa
Classification: Uncertain significance. Last evaluated: 2026-07-21. Review status: criteria provided, single submitter. Criteria: DASA Assertion Criteria. Collection method: clinical testing. Allele origin: germline.
Comment: NM_003590.5(CUL3):c.2164C>A (p.Leu722Ile) is a missense variant that results in the substitution of leucine with isoleucine. This variant is absent from population databases. Computational prediction algorithms are consistent with a deleterious effect. The currently available literature and clinical evidence are not sufficient to establish a definitive association between this variant and the reported condition. Therefore, this variant is classified as a variant of uncertain significance.

NM_003590.5(CUL3):c.2164C>A (p.Leu722Ile)

Gene: CUL3 (cullin 3; minus strand). Cytogenetic location: 2q36.2.
Variant type: single nucleotide variant.
Coding change: c.2164C>A on transcript NM_003590.5 (MANE Select); coding-DNA position 2164, C replaced by A.
Protein change: p.Leu722Ile; replaces leucine 722 with isoleucine.
Molecular consequence: missense variant.
Genome position (GRCh38, 1-based): chr2:224,478,211, G>T on the plus strand (C>A on the coding strand, the complement: CUL3 is on the minus strand). VCF-style: chr2-224478211-G-T. GRCh37 (hg19) VCF-style: chr2-225342928-G-T.
Other names: c.1966C>A, p.Leu656Ile (NM_001257197.2); c.2182C>A, p.Leu728Ile (NM_001257198.2); short protein forms L656I, L722I, L728I.
Identifiers: ClinVar variation 5020164 (VCV005020164.1).